The following is an entry in ClinVar:

ClinVar aggregate classification (germline): Conflicting classifications of pathogenicity. Review status: criteria provided, conflicting classifications (1 of 4 stars). 2 submissions from 2 submitters: Uncertain significance (1); Likely benign (1). Last evaluated 2024-09-08.

gnomAD v4.1: 13 of 1,614,142 alleles (0.00081%); highest among the groups gnomAD compares: Admixed American, 0.017%; no homozygotes.

Submissions (2):

Ambry Genetics
Classification: Likely benign. Last evaluated: 2024-09-08. Review status: criteria provided, single submitter. Criteria: Ambry Variant Classification Scheme 2023. Collection method: clinical testing. Allele origin: germline.

GeneDx
Classification: Uncertain significance. Last evaluated: 2023-10-17. Review status: criteria provided, single submitter. Criteria: GeneDx Variant Classification Process June 2021. Collection method: clinical testing. Allele origin: germline. Affected: yes.
Comment: In silico analysis supports that this missense variant does not alter protein structure/function; Has not been previously published as pathogenic or benign to our knowledge

NM_001017974.2(P4HA2):c.443G>A (p.Gly148Asp)

Gene: P4HA2 (prolyl 4-hydroxylase subunit alpha 2; minus strand). Cytogenetic location: 5q31.1.
Variant type: single nucleotide variant.
Coding change: c.443G>A on transcript NM_001017974.2 (MANE Select); coding-DNA position 443, G replaced by A.
Protein change: p.Gly148Asp; replaces glycine 148 with aspartic acid.
Molecular consequence: missense variant.
Genome position (GRCh38, 1-based): chr5:132,213,942, C>T on the plus strand (G>A on the coding strand, the complement: P4HA2 is on the minus strand). VCF-style: chr5-132213942-C-T. GRCh37 (hg19) VCF-style: chr5-131549635-C-T.
Other names: c.443G>A, p.Gly148Asp (NM_001142598.2, NM_001142599.2, NM_001365677.2 and 5 more transcripts); short protein forms G148D.
Identifiers: ClinVar variation 3366010 (VCV003366010.2).